The following is an entry in ClinVar:

NM_000321.3(RB1):c.-120A>T

Gene: RB1 (RB transcriptional corepressor 1; plus strand). Cytogenetic location: 13q14.2.
Variant type: single nucleotide variant.
Coding change: c.-120A>T on transcript NM_000321.3 (MANE Select); 120 bases upstream of the start codon, A replaced by T.
Molecular consequence: 5 prime UTR variant.
Genome position (GRCh38, 1-based): chr13:48,303,793, A>T. VCF-style: chr13-48303793-A-T. GRCh37 (hg19) VCF-style: chr13-48877929-A-T.
Other names: c.-120A>T (NM_001407165.1, NM_001407166.1, NM_001407167.1).
Identifiers: ClinVar variation 4736611 (VCV004736611.1).

ClinVar aggregate classification (germline): Uncertain significance (1 of 4 stars; one submission).

Conditions:
Retinoblastoma (RB1). Also called: RETINOBLASTOMA, SOMATIC. Identifiers: Orphanet 790, MedGen C0035335, MeSH D012175, MONDO:0008380, OMIM 180200, HP:0009919. Disease mechanism: loss of function. Inheritance: Both sporadic and heritable forms are tested..

Submission:

Labcorp Genetics (formerly Invitae), Labcorp
Classification: Uncertain significance for Retinoblastoma. Last evaluated: 2026-02-03. Review status: criteria provided, single submitter. Criteria: Invitae Variant Classification Sherloc (09022015). Collection method: clinical testing. Allele origin: germline.
Comment: This variant occurs in a non-coding region of the RB1 gene. It does not change the encoded amino acid sequence of the RB1 protein. This variant is not present in population databases (gnomAD no frequency). This variant has not been reported in the literature in individuals affected with RB1-related conditions. In summary, the available evidence is currently insufficient to determine the role of this variant in disease. Therefore, it has been classified as a Variant of Uncertain Significance.